The following is an entry in ClinVar:

NM_182961.4(SYNE1):c.23020-266G>T

Gene: SYNE1 (spectrin repeat containing nuclear envelope protein 1; minus strand). Cytogenetic location: 6q25.2.
Variant type: single nucleotide variant.
Coding change: c.23020-266G>T on transcript NM_182961.4 (MANE Select); 266 bases into the intron before coding-DNA position 23020, G replaced by T.
Molecular consequence: intron variant.
Genome position (GRCh38, 1-based): chr6:152,202,215, C>A on the plus strand (G>T on the coding strand, the complement: SYNE1 is on the minus strand). VCF-style: chr6-152202215-C-A. GRCh37 (hg19) VCF-style: chr6-152523350-C-A.
Other names: c.22807-266G>T (NM_033071.5).
Identifiers: ClinVar variation 673889 (VCV000673889.1), dbSNP rs139545755, ClinGen allele CA150168632.

ClinVar aggregate classification (germline): Benign (1 of 4 stars; one submission).

Allele frequency attached by ClinVar (database versions not stated): 1000 Genomes Project 30x 0.00531; 1000 Genomes Project 0.00559; TOPMed 0.01110; gnomAD 0.01537 and 0.01612.
gnomAD v4.1: 2,329 of 151,938 alleles (1.5%); highest among the groups gnomAD compares: Non-Finnish European, 2.1%; 35 homozygotes.

Submission:

GeneDx
Classification: Benign. Last evaluated: 2018-06-16. Review status: criteria provided, single submitter. Criteria: GeneDx Variant Classification (06012015). Collection method: clinical testing. Allele origin: germline. Affected: yes.
Comment: This variant is considered likely benign or benign based on one or more of the following criteria: it is a conservative change, it occurs at a poorly conserved position in the protein, it is predicted to be benign by multiple in silico algorithms, and/or has population frequency not consistent with disease.